The following is an entry in ClinVar:

NM_001144967.3(NEDD4L):c.2624_2625delinsAG (p.Pro875Gln)

Gene: NEDD4L (NEDD4 like E3 ubiquitin protein ligase; plus strand). Cytogenetic location: 18q21.31.
Variant type: Indel.
Coding change: c.2624_2625delinsAG on transcript NM_001144967.3 (MANE Select); coding-DNA positions 2624 to 2625, CA replaced by AG.
Protein change: p.Pro875Gln; replaces proline 875 with glutamine.
Molecular consequence: missense variant.
Genome position (GRCh38, 1-based): chr18:58,389,161-58,389,162, CA replaced by AG. VCF-style: chr18-58389161-CA-AG. GRCh37 (hg19) VCF-style: chr18-56056393-CA-AG.
Other names: c.2261_2262delinsAG, p.Pro754Gln (NM_001144964.1, NM_001144965.2, NM_001144966.3); c.2600_2601delinsAG, p.Pro867Gln (NM_001144968.2); c.2540_2541delinsAG, p.Pro847Gln (NM_001144969.2); c.2201_2202delinsAG, p.Pro734Gln (NM_001144970.3, NM_001144971.2); c.2432_2433delinsAG, p.Pro811Gln (NM_001243960.2); c.2564_2565delinsAG, p.Pro855Gln (NM_015277.6); short protein forms P734Q, P754Q, P811Q, P867Q, P847Q, P855Q, P875Q.
Identifiers: ClinVar variation 950006 (VCV000950006.8), dbSNP rs2049446994, ClinGen allele CA1139666131.

ClinVar aggregate classification (germline): Uncertain significance (1 of 4 stars; one submission).

Submission:

Labcorp Genetics (formerly Invitae), Labcorp
Classification: Uncertain significance. Last evaluated: 2019-04-19. Review status: criteria provided, single submitter. Criteria: Invitae Variant Classification Sherloc (09022015). Collection method: clinical testing. Allele origin: germline.
Comment: This sequence change replaces proline with glutamine at codon 855 of the NEDD4L protein (p.Pro855Gln). The proline residue is highly conserved and there is a moderate physicochemical difference between proline and glutamine. This variant is not present in population databases (ExAC no frequency). This variant has not been reported in the literature in individuals with NEDD4L-related conditions. Algorithms developed to predict the effect of missense changes on protein structure and function (SIFT, PolyPhen-2, Align-GVGD) all suggest that this variant is likely to be tolerated, but these predictions have not been confirmed by published functional studies and their clinical significance is uncertain. In summary, the available evidence is currently insufficient to determine the role of this variant in disease. Therefore, it has been classified as a Variant of Uncertain Significance.